The following is an entry in ClinVar:

ClinVar aggregate classification (germline): Uncertain significance (1 of 4 stars; one submission).

Conditions:
Combined oxidative phosphorylation defect type 17. Also called: Combined oxidative phosphorylation deficiency 17. Identifiers: Orphanet 369913, MedGen C3809526, MONDO:0014190, OMIM 615440.

Allele frequency attached by ClinVar (database versions not stated): TOPMed 0.00001.
gnomAD v4.1: 7 of 1,609,020 alleles (0.00044%); highest among the groups gnomAD compares: African/African-American, 0.0013%; no homozygotes.

Submission:

Labcorp Genetics (formerly Invitae), Labcorp
Classification: Uncertain significance for Combined oxidative phosphorylation defect type 17. Last evaluated: 2022-05-28. Review status: criteria provided, single submitter. Criteria: Invitae Variant Classification Sherloc (09022015). Collection method: clinical testing. Allele origin: germline.
Comment: This sequence change replaces glycine, which is neutral and non-polar, with valine, which is neutral and non-polar, at codon 54 of the ELAC2 protein (p.Gly54Val). This variant is not present in population databases (gnomAD no frequency). This variant has not been reported in the literature in individuals affected with ELAC2-related conditions. Algorithms developed to predict the effect of missense changes on protein structure and function are either unavailable or do not agree on the potential impact of this missense change (SIFT: "Tolerated"; PolyPhen-2: "Possibly Damaging"; Align-GVGD: "Class C0"). In summary, the available evidence is currently insufficient to determine the role of this variant in disease. Therefore, it has been classified as a Variant of Uncertain Significance.

NM_018127.7(ELAC2):c.161G>T (p.Gly54Val)

Gene: ELAC2 (elaC ribonuclease Z 2; minus strand). Cytogenetic location: 17p12.
Variant type: single nucleotide variant.
Coding change: c.161G>T on transcript NM_018127.7 (MANE Select); coding-DNA position 161, G replaced by T.
Protein change: p.Gly54Val; replaces glycine 54 with valine.
Molecular consequence: missense variant.
Genome position (GRCh38, 1-based): chr17:13,017,787, C>A on the plus strand (G>T on the coding strand, the complement: ELAC2 is on the minus strand). VCF-style: chr17-13017787-C-A. GRCh37 (hg19) VCF-style: chr17-12921104-C-A.
Other names: c.161G>T, p.Gly54Val (NM_001165962.2, NM_173717.2); short protein forms G54V.
Identifiers: ClinVar variation 2000099 (VCV002000099.4), dbSNP rs961579300, ClinGen allele CA288067330.